The following is an entry in ClinVar:

NM_004370.6(COL12A1):c.4000+1G>A

Gene: COL12A1 (collagen type XII alpha 1 chain; minus strand). Cytogenetic location: 6q13.
Variant type: single nucleotide variant.
Coding change: c.4000+1G>A on transcript NM_004370.6 (MANE Select); the canonical splice donor site of the intron after coding-DNA position 4000, G replaced by A.
Molecular consequence: splice donor variant.
Genome position (GRCh38, 1-based): chr6:75,151,866, C>T on the plus strand (G>A on the coding strand, the complement: COL12A1 is on the minus strand). VCF-style: chr6-75151866-C-T. GRCh37 (hg19) VCF-style: chr6-75861582-C-T.
Other names: c.508+1G>A (NM_080645.3).
Identifiers: ClinVar variation 1686643 (VCV001686643.4), dbSNP rs2149416563, ClinGen allele CA364747529.

ClinVar aggregate classification (germline): Likely pathogenic (1 of 4 stars; one submission).

Submission:

Mayo Clinic Laboratories, Mayo Clinic
Classification: Likely pathogenic. Last evaluated: 2021-12-02. Review status: criteria provided, single submitter. Criteria: ACMG Guidelines, 2015. Collection method: clinical testing. Allele origin: germline.
Comment: PM2, PVS1